The following is an entry in ClinVar:

NM_145045.5(ODAD3):c.1116+3G>A

Gene: ODAD3 (outer dynein arm docking complex subunit 3; minus strand). Cytogenetic location: 19p13.2.
Variant type: single nucleotide variant.
Coding change: c.1116+3G>A on transcript NM_145045.5 (MANE Select); 3 bases into the intron after coding-DNA position 1116, G replaced by A.
Molecular consequence: intron variant.
Genome position (GRCh38, 1-based): chr19:11,423,874, C>T on the plus strand (G>A on the coding strand, the complement: ODAD3 is on the minus strand). VCF-style: chr19-11423874-C-T. GRCh37 (hg19) VCF-style: chr19-11534543-C-T.
Other names: c.954+3G>A (NM_001302453.1); c.936+3G>A (NM_001302454.2).
Identifiers: ClinVar variation 846040 (VCV000846040.8), dbSNP rs1227773972, ClinGen allele CA632117328.

ClinVar aggregate classification (germline): Uncertain significance (1 of 4 stars; one submission).

Conditions:
Primary ciliary dyskinesia 30. Also called: CILIARY DYSKINESIA, PRIMARY, 30, WITH OR WITHOUT SITUS INVERSUS. Identifiers: Orphanet 244, MedGen C4015016, MONDO:0014465, OMIM 616037.

Allele frequency attached by ClinVar (database versions not stated): gnomAD below 0.00001 and 0.00001.
gnomAD v4.1: 1 of 1,607,466 alleles (0.000062%); highest among the groups gnomAD compares: South Asian, 0.0011%; no homozygotes.

Submission:

Labcorp Genetics (formerly Invitae), Labcorp
Classification: Uncertain significance for Primary ciliary dyskinesia 30. Last evaluated: 2019-12-30. Review status: criteria provided, single submitter. Criteria: Invitae Variant Classification Sherloc (09022015). Collection method: clinical testing. Allele origin: germline.
Comment: This sequence change falls in intron 8 of the CCDC151 gene. It does not directly change the encoded amino acid sequence of the CCDC151 protein, but it affects a nucleotide within the consensus splice site of the intron. This variant is not present in population databases (ExAC no frequency). This variant has not been reported in the literature in individuals with CCDC151-related conditions. Nucleotide substitutions within the consensus splice site are a relatively common cause of aberrant splicing (PMID: 17576681, 9536098). Algorithms developed to predict the effect of sequence changes on RNA splicing suggest that this variant is not likely to affect RNA splicing, but this prediction has not been confirmed by published transcriptional studies. In summary, the available evidence is currently insufficient to determine the role of this variant in disease. Therefore, it has been classified as a Variant of Uncertain Significance.

Literature cited by the submitters: PubMed 17576681; PubMed 9536098.